The following is an entry in ClinVar:

NM_133510.4(RAD51B):c.851A>T (p.Glu284Val)

Gene: RAD51B (RAD51 paralog B; plus strand). Cytogenetic location: 14q24.1.
Variant type: single nucleotide variant.
Coding change: c.851A>T on transcript NM_133510.4 (MANE Select); coding-DNA position 851, A replaced by T.
Protein change: p.Glu284Val; replaces glutamic acid 284 with valine.
Molecular consequence: missense variant.
Genome position (GRCh38, 1-based): chr14:68,291,978, A>T. VCF-style: chr14-68291978-A-T. GRCh37 (hg19) VCF-style: chr14-68758695-A-T.
Other names: c.851A>T, p.Glu284Val (NM_001321809.2, NM_001321810.2, NM_001321812.1 and 6 more transcripts); c.737A>T, p.Glu246Val (NM_001321815.1); c.494A>T, p.Glu165Val (NM_001321817.2); short protein forms E246V, E165V, E284V.
Identifiers: ClinVar variation 4575291 (VCV004575291.1).

ClinVar aggregate classification (germline): Uncertain significance (1 of 4 stars; one submission).

Submission:

Ambry Genetics
Classification: Uncertain significance. Last evaluated: 2025-10-11. Review status: criteria provided, single submitter. Criteria: Ambry Variant Classification Scheme 2023. Collection method: clinical testing. Allele origin: germline.
Comment: The p.E284V variant (also known as c.851A>T), located in coding exon 7 of the RAD51B gene, results from an A to T substitution at nucleotide position 851. The glutamic acid at codon 284 is replaced by valine, an amino acid with dissimilar properties. This amino acid position is conserved. In addition, this alteration is predicted to be tolerated by in silico analysis. Based on the available evidence, the clinical significance of this variant remains unclear.